The following is an entry in ClinVar:

ClinVar aggregate classification (germline): Uncertain significance. Review status: criteria provided, multiple submitters, no conflicts (2 of 4 stars). 2 submissions from 2 submitters: Uncertain significance (2). Last evaluated 2025-10-07.

Conditions:
Hereditary cancer-predisposing syndrome. Also called: Tumor predisposition; Hereditary Cancer Syndrome; Hereditary neoplastic syndrome; Neoplastic Syndromes, Hereditary. Identifiers: Orphanet 140162, MedGen C0027672, MeSH D009386, MONDO:0015356.
POLD1-related polyposis and colorectal cancer syndrome (CRCS10). Also called: Colorectal cancer 10; COLORECTAL CANCER, SUSCEPTIBILITY TO, ON CHROMOSOME 19q; Colorectal cancer, susceptibility to, 10. Identifiers: Orphanet 220460, MedGen C2675481, MONDO:0012953, OMIM 612591.

Submissions (2):

Ambry Genetics
Classification: Uncertain significance for Hereditary cancer-predisposing syndrome. Last evaluated: 2025-10-07. Review status: criteria provided, single submitter. Criteria: Ambry Variant Classification Scheme 2023. Collection method: clinical testing. Allele origin: germline.
Comment: The p.E634K variant (also known as c.1900G>A), located in coding exon 15 of the POLD1 gene, results from a G to A substitution at nucleotide position 1900. The glutamic acid at codon 634 is replaced by lysine, an amino acid with similar properties. This amino acid position is conserved. In addition, this alteration is predicted to be tolerated by in silico analysis. Based on the available evidence, the clinical significance of this variant remains unclear.

Labcorp Genetics (formerly Invitae), Labcorp
Classification: Uncertain significance for POLD1-related polyposis and colorectal cancer syndrome. Last evaluated: 2022-11-15. Review status: criteria provided, single submitter. Criteria: Invitae Variant Classification Sherloc (09022015). Collection method: clinical testing. Allele origin: germline.
Comment: ClinVar contains an entry for this variant (Variation ID: 1058497). This variant has not been reported in the literature in individuals affected with POLD1-related conditions. This variant is not present in population databases (gnomAD no frequency). This sequence change replaces glutamic acid, which is acidic and polar, with lysine, which is basic and polar, at codon 634 of the POLD1 protein (p.Glu634Lys). In summary, the available evidence is currently insufficient to determine the role of this variant in disease. Therefore, it has been classified as a Variant of Uncertain Significance. Advanced modeling of protein sequence and biophysical properties (such as structural, functional, and spatial information, amino acid conservation, physicochemical variation, residue mobility, and thermodynamic stability) performed at Invitae indicates that this missense variant is not expected to disrupt POLD1 protein function.

NM_002691.4(POLD1):c.1900G>A (p.Glu634Lys)

Gene: POLD1 (DNA polymerase delta 1, catalytic subunit; plus strand). Cytogenetic location: 19q13.33.
Variant type: single nucleotide variant.
Coding change: c.1900G>A on transcript NM_002691.4 (MANE Select); coding-DNA position 1900, G replaced by A.
Protein change: p.Glu634Lys; replaces glutamic acid 634 with lysine.
Molecular consequence: missense variant. On other transcripts: non-coding transcript variant (1).
Genome position (GRCh38, 1-based): chr19:50,409,129, G>A. VCF-style: chr19-50409129-G-A. GRCh37 (hg19) VCF-style: chr19-50912386-G-A.
Other names: c.1900G>A, p.Glu634Lys (NM_001256849.1); c.1978G>A, p.Glu660Lys (NM_001308632.1); c.1900G>A (NM_002691.2); short protein forms E634K, E660K.
Identifiers: ClinVar variation 1058497 (VCV001058497.10), dbSNP rs2122375554, ClinGen allele CA406982198.
Genomic context (GRCh38, chr19:50,409,129, plus strand): 5'-GTGGGCTGGAGCAGGAGGGTGGCCGGCAGTCACCCCAACATCTTCCAACCCAGCCTGACT[G>A]AGGATCAGTTCATCAGGACCCCCACCGGGGACGAGTTTGTGAAGACCTCAGTGCGGAAGG-3'
Protein context (NP_002682.2, residues 624-644): PGTAQKLGLT[Glu634Lys]DQFIRTPTGD